The following is an entry in ClinVar:

NM_024803.3(TUBAL3):c.1080G>A (p.Val360=)

Gene: TUBAL3 (tubulin alpha like 3; minus strand). Cytogenetic location: 10p15.1.
Variant type: single nucleotide variant.
Coding change: c.1080G>A on transcript NM_024803.3 (MANE Select); coding-DNA position 1080, G replaced by A.
Protein change: p.Val360=; no amino-acid change (valine 360 retained).
Molecular consequence: synonymous variant.
Genome position (GRCh38, 1-based): chr10:5,393,778, C>T on the plus strand (G>A on the coding strand, the complement: TUBAL3 is on the minus strand). VCF-style: chr10-5393778-C-T. GRCh37 (hg19) VCF-style: chr10-5435741-C-T.
Other names: c.960G>A, p.Val320= (NM_001171864.2).
Identifiers: ClinVar variation 2640286 (VCV002640286.24), dbSNP rs45492393, ClinGen allele CA5391915.
Genomic context (GRCh38, chr10:5,393,778, plus strand): 5'-CCGGTGGACTTTGGCCAGGTCCCCACCCGGCATCACCGTGGGCGGCCGATTGTTGATGCC[C>T]ACCTTGAAACCAGTTGGACACCAATCTACAAACTGAACAGAGTGCCTCGACTTCGTGGCT-3'
Protein context (NP_079079.1, residues 350-370): FVDWCPTGFK[Val360=]GINNRPPTVM

ClinVar aggregate classification (germline): Likely benign (1 of 4 stars; one submission).

Allele frequency attached by ClinVar (database versions not stated): TOPMed 0.00075; ESP Exome Variant Server 0.00077; 1000 Genomes Project 30x 0.00172; 1000 Genomes Project 0.00180; gnomAD exomes 0.00183; gnomAD 0.00188; ExAC 0.00251.

Submission:

CeGaT Center for Human Genetics Tuebingen
Classification: Likely benign. Last evaluated: 2023-03-01. Review status: criteria provided, single submitter. Criteria: CeGaT Center For Human Genetics Tuebingen Variant Classification Criteria Version 2. Collection method: clinical testing. Allele origin: germline. Affected: yes. Observed: 1 variant allele.
Comment: TUBAL3: BP4, BP7